The following is an entry in ClinVar:

NM_001371596.2(MFSD8):c.467C>T (p.Thr156Ile)

Gene: MFSD8 (major facilitator superfamily domain containing 8; minus strand). Cytogenetic location: 4q28.2.
Variant type: single nucleotide variant.
Coding change: c.467C>T on transcript NM_001371596.2 (MANE Select); coding-DNA position 467, C replaced by T.
Protein change: p.Thr156Ile; replaces threonine 156 with isoleucine.
Molecular consequence: missense variant. On other transcripts: intron variant (4).
Genome position (GRCh38, 1-based): chr4:127,942,131, G>A on the plus strand (C>T on the coding strand, the complement: MFSD8 is on the minus strand). VCF-style: chr4-127942131-G-A. GRCh37 (hg19) VCF-style: chr4-128863286-G-A.
Other names: c.467C>T, p.Thr156Ile (NM_001363520.3, NM_001371591.2, NM_001371592.2 and 2 more transcripts); c.332C>T, p.Thr111Ile (NM_001371590.2, NM_001371595.1); c.304+1621C>T (NM_001410765.1); c.439+1621C>T (NM_001363521.3, NM_001410766.1, NM_001371593.2); short protein forms T111I, T156I.
Identifiers: ClinVar variation 1011346 (VCV001011346.3), dbSNP rs1740291651, ClinGen allele CA358176401.
Genomic context (GRCh38, chr4:127,942,131, plus strand): 5'-TGACACATGCTTATGTTTGCCATGGAACTTGTTCTTTCCTGAAGGGAAGTAGCACCAGCA[G>A]TATATGATCTAACAACTGCTACATTTCCTTAAAAACAAGACACAATAATCCAAAGTAAAA-3'
Protein context (NP_001358525.1, residues 146-166): AGNVAVVRSY[Thr156Ile]AGATSLQERT

ClinVar aggregate classification (germline): Uncertain significance (1 of 4 stars; one submission).

Conditions:
Neuronal ceroid lipofuscinosis 7 (CLN7). Also called: MFSD8-Related Neuronal Ceroid-Lipofuscinosis. Identifiers: Orphanet 168491, Orphanet 228366, MedGen C1838571, MONDO:0012588, OMIM 610951.

Submission:

Labcorp Genetics (formerly Invitae), Labcorp
Classification: Uncertain significance for Neuronal ceroid lipofuscinosis 7. Last evaluated: 2021-08-26. Review status: criteria provided, single submitter. Criteria: Invitae Variant Classification Sherloc (09022015). Collection method: clinical testing. Allele origin: germline.
Comment: This sequence change replaces threonine with isoleucine at codon 156 of the MFSD8 protein (p.Thr156Ile). The threonine residue is weakly conserved and there is a moderate physicochemical difference between threonine and isoleucine. This variant is not present in population databases (ExAC no frequency). This variant has not been reported in the literature in individuals affected with MFSD8-related conditions. Algorithms developed to predict the effect of missense changes on protein structure and function output the following: SIFT: "Tolerated"; PolyPhen-2: "Benign"; Align-GVGD: "Class C0". The isoleucine amino acid residue is found in multiple mammalian species, which suggests that this missense change does not adversely affect protein function. In summary, the available evidence is currently insufficient to determine the role of this variant in disease. Therefore, it has been classified as a Variant of Uncertain Significance.